The following is an entry in ClinVar:

ClinVar aggregate classification (germline): Uncertain significance (1 of 4 stars; one submission).

Conditions:
Intellectual developmental disorder, X-linked, syndromic, Raymond type. Also called: Syndromic X-linked intellectual disability Raymond type. Identifiers: MedGen C3275406, MONDO:0010427, OMIM 300799.

Allele frequency attached by ClinVar (database versions not stated): TOPMed below 0.00001.

Submission:

Labcorp Genetics (formerly Invitae), Labcorp
Classification: Uncertain significance for Intellectual developmental disorder, X-linked, syndromic, Raymond type. Last evaluated: 2023-02-14. Review status: criteria provided, single submitter. Criteria: Invitae Variant Classification Sherloc (09022015). Collection method: clinical testing. Allele origin: germline.
Comment: Advanced modeling of protein sequence and biophysical properties (such as structural, functional, and spatial information, amino acid conservation, physicochemical variation, residue mobility, and thermodynamic stability) performed at Invitae indicates that this missense variant is not expected to disrupt ZDHHC9 protein function. In summary, the available evidence is currently insufficient to determine the role of this variant in disease. Therefore, it has been classified as a Variant of Uncertain Significance. This variant has not been reported in the literature in individuals affected with ZDHHC9-related conditions. This variant is not present in population databases (gnomAD no frequency). This sequence change replaces glutamic acid, which is acidic and polar, with glutamine, which is neutral and polar, at codon 305 of the ZDHHC9 protein (p.Glu305Gln).

NM_016032.4(ZDHHC9):c.913G>C (p.Glu305Gln)

Gene: ZDHHC9 (zDHHC palmitoyltransferase 9; minus strand). Cytogenetic location: Xq26.1.
Variant type: single nucleotide variant.
Coding change: c.913G>C on transcript NM_016032.4 (MANE Select); coding-DNA position 913, G replaced by C.
Protein change: p.Glu305Gln; replaces glutamic acid 305 with glutamine.
Molecular consequence: missense variant.
Genome position (GRCh38, 1-based): chrX:129,810,970, C>G on the plus strand (G>C on the coding strand, the complement: ZDHHC9 is on the minus strand). VCF-style: chrX-129810970-C-G. GRCh37 (hg19) VCF-style: chrX-128944946-C-G.
Other names: c.913G>C, p.Glu305Gln (NM_001008222.3); short protein forms E305Q.
Identifiers: ClinVar variation 2837172 (VCV002837172.3), dbSNP rs1927626518, ClinGen allele CA414581521.